The following is an entry in ClinVar:

ClinVar aggregate classification (germline): Uncertain significance. Review status: criteria provided, multiple submitters, no conflicts (2 of 4 stars). 4 submissions from 4 submitters: Uncertain significance (4). Last evaluated 2026-01-28.

Conditions:
Hereditary cancer-predisposing syndrome. Also called: Neoplastic Syndromes, Hereditary; Tumor predisposition; Hereditary neoplastic syndrome; Hereditary Cancer Syndrome. Identifiers: Orphanet 140162, MedGen C0027672, MeSH D009386, MONDO:0015356.
Neuroblastoma, susceptibility to, 3. Also called: ALK-Related Neuroblastic Tumor Susceptibility. Identifiers: Orphanet 635, MedGen C2751681, MONDO:0013083, OMIM 613014.

Allele frequency attached by ClinVar (database versions not stated): gnomAD exomes 0.00001; TOPMed 0.00003; gnomAD 0.00004 and 0.00003; ExAC 0.00001.
gnomAD v4.1: 23 of 1,613,266 alleles (0.0014%); highest among the groups gnomAD compares: African/African-American, 0.004%; no homozygotes.

Submissions (4):

Labcorp Genetics (formerly Invitae), Labcorp
Classification: Uncertain significance for Neuroblastoma, susceptibility to, 3. Last evaluated: 2026-01-28. Review status: criteria provided, single submitter. Criteria: Invitae Variant Classification Sherloc (09022015). Collection method: clinical testing. Allele origin: germline.
Comment: This sequence change replaces valine, which is neutral and non-polar, with glycine, which is neutral and non-polar, at codon 1413 of the ALK protein (p.Val1413Gly). This variant is present in population databases (rs779318085, gnomAD 0.003%). This variant has not been reported in the literature in individuals affected with ALK-related conditions. ClinVar contains an entry for this variant (Variation ID: 470870). An algorithm developed to predict the effect of missense changes on protein structure and function (PolyPhen-2) suggests that this variant is likely to be tolerated. In summary, the available evidence is currently insufficient to determine the role of this variant in disease. Therefore, it has been classified as a Variant of Uncertain Significance.

Ambry Genetics
Classification: Uncertain significance for Hereditary cancer-predisposing syndrome. Last evaluated: 2025-02-01. Review status: criteria provided, single submitter. Criteria: Ambry Variant Classification Scheme 2023. Collection method: clinical testing. Allele origin: germline.
Comment: The p.V1413G variant (also known as c.4238T>G), located in coding exon 29 of the ALK gene, results from a T to G substitution at nucleotide position 4238. The valine at codon 1413 is replaced by glycine, an amino acid with dissimilar properties. This amino acid position is conserved. In addition, this alteration is predicted to be tolerated by in silico analysis. Since supporting evidence is limited at this time, the clinical significance of this alteration remains unclear.

Baylor Genetics
Classification: Uncertain significance for Neuroblastoma, susceptibility to, 3. Last evaluated: 2024-01-05. Review status: criteria provided, single submitter. Criteria: ACMG Guidelines, 2015. Collection method: clinical testing. Allele origin: unknown.

GeneDx
Classification: Uncertain significance. Last evaluated: 2023-07-03. Review status: criteria provided, single submitter. Criteria: GeneDx Variant Classification Process June 2021. Collection method: clinical testing. Allele origin: germline.
Comment: Not observed at significant frequency in large population cohorts (gnomAD); In silico analysis supports that this missense variant has a deleterious effect on protein structure/function; Has not been previously published as pathogenic or benign to our knowledge

NM_004304.5(ALK):c.4238T>G (p.Val1413Gly)

Gene: ALK (ALK receptor tyrosine kinase; minus strand). Cytogenetic location: 2p23.2.
Variant type: single nucleotide variant.
Coding change: c.4238T>G on transcript NM_004304.5 (MANE Select); coding-DNA position 4238, T replaced by G.
Protein change: p.Val1413Gly; replaces valine 1413 with glycine.
Molecular consequence: missense variant.
Genome position (GRCh38, 1-based): chr2:29,193,849, A>C on the plus strand (T>G on the coding strand, the complement: ALK is on the minus strand). VCF-style: chr2-29193849-A-C. GRCh37 (hg19) VCF-style: chr2-29416715-A-C.
Other names: c.1034T>G, p.Val345Gly (NM_001353765.2); short protein forms V1413G, V345G.
Identifiers: ClinVar variation 470870 (VCV000470870.18), dbSNP rs779318085, ClinGen allele CA1593612.